The following is an entry in ClinVar:

NM_001164508.2(NEB):c.2264C>T (p.Ser755Phe)

Gene: NEB (nebulin; minus strand). Cytogenetic location: 2q23.3.
Variant type: single nucleotide variant.
Coding change: c.2264C>T on transcript NM_001164508.2 (MANE Select); coding-DNA position 2264, C replaced by T.
Protein change: p.Ser755Phe; replaces serine 755 with phenylalanine.
Molecular consequence: missense variant.
Genome position (GRCh38, 1-based): chr2:151,690,773, G>A on the plus strand (C>T on the coding strand, the complement: NEB is on the minus strand). VCF-style: chr2-151690773-G-A. GRCh37 (hg19) VCF-style: chr2-152547287-G-A.
Other names: c.2264C>T (NM_004543.4); c.2264C>T, p.Ser755Phe (NM_001164507.2, NM_001271208.2, NM_004543.5); short protein forms S755F.
Identifiers: ClinVar variation 1986144 (VCV001986144.7), dbSNP rs570134110, ClinGen allele CA1911279.

ClinVar aggregate classification (germline): Conflicting classifications of pathogenicity. Review status: criteria provided, conflicting classifications (1 of 4 stars). 4 submissions from 4 submitters: Uncertain significance (3); Likely benign (1). Last evaluated 2026-08-13.

Conditions:
Inborn genetic diseases. Identifiers: MedGen C0950123, MeSH D030342.
Nemaline myopathy 2 (NEM2). Also called: Nemaline myopathy 2, autosomal recessive. Identifiers: MedGen C1850569, MONDO:0009725, OMIM 256030.

Allele frequency attached by ClinVar (database versions not stated): 1000 Genomes Project 0.00020; 1000 Genomes Project 30x 0.00016.
gnomAD v4.1: 17 of 1,599,728 alleles (0.0011%); highest among the groups gnomAD compares: Middle Eastern, 0.13%; no homozygotes.

Submissions (4):

Ambry Genetics
Classification: Uncertain significance for Inborn genetic diseases. Last evaluated: 2026-08-13. Review status: criteria provided, single submitter. Criteria: Ambry Variant Classification Scheme 2023. Collection method: clinical testing. Allele origin: germline.

GeneDx
Classification: Uncertain significance. Last evaluated: 2026-02-17. Review status: criteria provided, single submitter. Criteria: GeneDx Variant Classification Process June 2021. Collection method: clinical testing. Allele origin: germline.
Comment: Not observed at significant frequency in large population cohorts (gnomAD); In silico analysis suggests that this missense variant does not alter protein structure/function; Has not been previously published as pathogenic or benign to our knowledge

Labcorp Genetics (formerly Invitae), Labcorp
Classification: Likely benign for Nemaline myopathy 2. Last evaluated: 2024-05-24. Review status: criteria provided, single submitter. Criteria: Invitae Variant Classification Sherloc (09022015). Collection method: clinical testing. Allele origin: germline.

Revvity Omics, Revvity
Classification: Uncertain significance. Last evaluated: 2023-12-28. Review status: criteria provided, single submitter. Criteria: ACMG Guidelines, 2015. Collection method: clinical testing. Allele origin: germline.